The following is an entry in ClinVar:

NC_000016.9:g.(?_89574826)_(89623501_?)dup

Gene: SPG7 (SPG7 matrix AAA peptidase subunit, paraplegin; plus strand). Cytogenetic location: 16q24.3.
Variant type: Duplication.
Identifiers: ClinVar variation 3243429 (VCV003243429.1).

ClinVar aggregate classification (germline): Uncertain significance (1 of 4 stars; one submission).

Conditions:
Hereditary spastic paraplegia 7 (SPG7). Also called: Autosomal recessive spastic paraplegia type 7; SPASTIC PARAPLEGIA 7, AUTOSOMAL RECESSIVE, WITH OR WITHOUT CEREBELLAR ATAXIA; Spastic paraplegia 7; Hereditary spastic paraplegia Paraplegin type; SPG7-related neurologic disorder. Identifiers: Orphanet 99013, MedGen C1846564, MONDO:0011803, OMIM 607259.

Submission:

Labcorp Genetics (formerly Invitae), Labcorp
Classification: Uncertain significance for Hereditary spastic paraplegia 7. Last evaluated: 2023-03-19. Review status: criteria provided, single submitter. Criteria: Invitae Variant Classification Sherloc (09022015). Collection method: clinical testing. Allele origin: unknown.
Comment: A copy number gain of the genomic region encompassing the full coding sequence of the SPG7 gene has been identified. The boundaries of this event are unknown as they extend beyond the assayed region for this gene and therefore may encompass additional genes. As the precise location of this event is unknown, it may be in tandem or it may be located elsewhere in the genome. In summary, the available evidence is currently insufficient to determine the role of this variant in disease. Therefore, it has been classified as a Variant of Uncertain Significance. This variant has not been reported in the literature in individuals affected with SPG7-related conditions.